The following is an entry in ClinVar:

NM_000891.3(KCNJ2):c.1199C>T (p.Thr400Met)

Gene: KCNJ2 (potassium inwardly rectifying channel subfamily J member 2; plus strand). Cytogenetic location: 17q24.3.
Variant type: single nucleotide variant.
Coding change: c.1199C>T on transcript NM_000891.3 (MANE Select); coding-DNA position 1199, C replaced by T.
Protein change: p.Thr400Met; replaces threonine 400 with methionine.
Molecular consequence: missense variant.
Genome position (GRCh38, 1-based): chr17:70,176,238, C>T. VCF-style: chr17-70176238-C-T. GRCh37 (hg19) VCF-style: chr17-68172379-C-T.
Other names: p.T400M:ACG>ATG; short protein forms T400M.
Identifiers: ClinVar variation 161258 (VCV000161258.43), dbSNP rs144022753, ClinGen allele CA211512.
Genomic context (GRCh38, chr17:70,176,238, plus strand): 5'-TTGCCCTCACAAGCAAAGAGGAAGACGACAGTGAAAATGGAGTTCCAGAAAGCACTAGTA[C>T]GGACACGCCCCCTGACATAGACCTTCACAACCAGGCAAGTGTACCTCTAGAGCCCAGGCC-3'
Protein context (NP_000882.1, residues 390-410): SENGVPESTS[Thr400Met]DTPPDIDLHN

ClinVar aggregate classification (germline): Conflicting classifications of pathogenicity. Review status: criteria provided, conflicting classifications (1 of 4 stars). 6 submissions from 6 submitters: Uncertain significance (4); Likely benign (1). 1 of the submissions does not count toward it. Last evaluated 2025-11-03.

Conditions:
Cardiovascular phenotype. Identifiers: MedGen CN230736.
Long QT syndrome (LQTS). Identifiers: MedGen C0023976, MeSH D008133, MONDO:0002442. Disease mechanism: loss of function. Inheritance: Various modes of inheritance.
Andersen Tawil syndrome (LQT7). Also called: ANDERSEN CARDIODYSRHYTHMIC PERIODIC PARALYSIS; Andersen Syndrome; PERIODIC PARALYSIS, POTASSIUM-SENSITIVE CARDIODYSRHYTHMIC TYPE; Potassium-sensitive periodic paralysis, ventricular ectopy, and dysmorphic features; LONG QT SYNDROME 7. Identifiers: Orphanet 37553, MedGen C1563715, MONDO:0008222, OMIM 170390.
Short QT syndrome type 3. Identifiers: Orphanet 51083, MedGen C1865018, MONDO:0012314, OMIM 609622.

Allele frequency attached by ClinVar (database versions not stated): gnomAD 0.00004; gnomAD exomes 0.00005; TOPMed 0.00005; ESP Exome Variant Server 0.00008.

Submissions (6):

Labcorp Genetics (formerly Invitae), Labcorp
Classification: Uncertain significance for Short QT syndrome type 3; Andersen Tawil syndrome. Last evaluated: 2025-11-03. Review status: criteria provided, single submitter. Criteria: Invitae Variant Classification Sherloc (09022015). Collection method: clinical testing. Allele origin: germline.
Comment: This sequence change replaces threonine, which is neutral and polar, with methionine, which is neutral and non-polar, at codon 400 of the KCNJ2 protein (p.Thr400Met). This variant is present in population databases (rs144022753, gnomAD 0.02%). This missense change has been observed in individual(s) with long QT syndrome and unexplained cardiac arrest (PMID: 21875779, 28600387, 35352813). ClinVar contains an entry for this variant (Variation ID: 161258). Invitae Evidence Modeling of protein sequence and biophysical properties (such as structural, functional, and spatial information, amino acid conservation, physicochemical variation, residue mobility, and thermodynamic stability) indicates that this missense variant is not expected to disrupt KCNJ2 protein function with a negative predictive value of 95%. In summary, the available evidence is currently insufficient to determine the role of this variant in disease. Therefore, it has been classified as a Variant of Uncertain Significance.

GeneDx
Classification: Uncertain significance. Last evaluated: 2024-02-02. Review status: criteria provided, single submitter. Criteria: GeneDx Variant Classification Process June 2021. Collection method: clinical testing. Allele origin: germline. Affected: yes.
Comment: Identified in patients with sudden cardiac arrest and LQTS in the published literature (PMID: 21875779, 22944906, 28600387); In silico analysis supports that this missense variant does not alter protein structure/function; This variant is associated with the following publications: (PMID: 25637381, 28600387, 22944906, 21875779)

Ambry Genetics
Classification: Likely benign for Cardiovascular phenotype. Last evaluated: 2023-08-28. Review status: criteria provided, single submitter. Criteria: Ambry Variant Classification Scheme 2023. Collection method: clinical testing. Allele origin: germline.

CeGaT Center for Human Genetics Tuebingen
Classification: Uncertain significance. Last evaluated: 2022-06-01. Review status: criteria provided, single submitter. Criteria: CeGaT Center For Human Genetics Tuebingen Variant Classification Criteria Version 2. Collection method: clinical testing. Allele origin: germline. Affected: yes. Observed: 1 variant allele.

Mayo Clinic Laboratories, Mayo Clinic
Classification: Uncertain significance. Last evaluated: 2019-09-23. Review status: criteria provided, single submitter. Criteria: ACMG Guidelines, 2015. Collection method: clinical testing. Allele origin: germline. Observed: 1 variant allele.

CSER _CC_NCGL, University of Washington
Classification: Uncertain significance for Long QT syndrome. Last evaluated: 2014-06-01. Review status: no assertion criteria provided. Collection method: research. Allele origin: germline. Inheritance: Autosomal dominant inheritance. Study: ESP 6500 variant annotation. Not counted in ClinVar's aggregate classification.
Comment: Variants classified for the Actionable exomic incidental findings in 6503 participants: challenges of variant classification manuscript

Literature cited by the submitters: PubMed 21875779 (cited by Labcorp Genetics (formerly Invitae), Labcorp and Ambry Genetics); PubMed 28600387 (cited by Labcorp Genetics (formerly Invitae), Labcorp); PubMed 35352813 (cited by Labcorp Genetics (formerly Invitae), Labcorp); PubMed 22944906 (cited by Ambry Genetics); PubMed 30665703 (cited by Ambry Genetics).